The following is an entry in ClinVar:

ClinVar aggregate classification (germline): Uncertain significance (1 of 4 stars; one submission).

Allele frequency attached by ClinVar (database versions not stated): TOPMed 0.00001; ExAC 0.00004; 1000 Genomes Project 30x 0.00016; 1000 Genomes Project 0.00020.
gnomAD v4.1: 11 of 1,575,178 alleles (0.0007%); highest among the groups gnomAD compares: East Asian, 0.026%; no homozygotes.

Submission:

Labcorp Genetics (formerly Invitae), Labcorp
Classification: Uncertain significance. Last evaluated: 2022-07-03. Review status: criteria provided, single submitter. Criteria: Invitae Variant Classification Sherloc (09022015). Collection method: clinical testing. Allele origin: germline.
Comment: In summary, the available evidence is currently insufficient to determine the role of this variant in disease. Therefore, it has been classified as a Variant of Uncertain Significance. Algorithms developed to predict the effect of missense changes on protein structure and function (SIFT, PolyPhen-2, Align-GVGD) all suggest that this variant is likely to be tolerated. The frequency data for this variant in the population databases is considered unreliable, as metrics indicate poor data quality at this position in the gnomAD database. This sequence change replaces threonine, which is neutral and polar, with lysine, which is basic and polar, at codon 300 of the WNT1 protein (p.Thr300Lys). This variant has not been reported in the literature in individuals affected with WNT1-related conditions.

NM_005430.4(WNT1):c.899C>A (p.Thr300Lys)

Gene: WNT1 (Wnt family member 1; plus strand). Cytogenetic location: 12q13.12.
Variant type: single nucleotide variant.
Coding change: c.899C>A on transcript NM_005430.4 (MANE Select); coding-DNA position 899, C replaced by A.
Protein change: p.Thr300Lys; replaces threonine 300 with lysine.
Molecular consequence: missense variant.
Genome position (GRCh38, 1-based): chr12:48,981,426, C>A. VCF-style: chr12-48981426-C-A. GRCh37 (hg19) VCF-style: chr12-49375209-C-A.
Other names: short protein forms T300K.
Identifiers: ClinVar variation 2167606 (VCV002167606.3), dbSNP rs531388810, ClinGen allele CA6544490.
Genomic context (GRCh38, chr12:48,981,426, plus strand): 5'-CCCACAAACCGCCCTCCCCCCACGACCTCGTCTACTTCGAGAAATCGCCCAACTTCTGCA[C>A]GTACAGCGGACGCCTGGGCACAGCAGGCACGGCAGGGCGCGCCTGTAACAGCTCGTCGCC-3'
Protein context (NP_005421.1, residues 290-310): VYFEKSPNFC[Thr300Lys]YSGRLGTAGT